The following is an entry in ClinVar:

NM_000322.5(PRPH2):c.588_589dup (p.Lys197fs)

Gene: PRPH2 (peripherin 2; minus strand). Cytogenetic location: 6p21.1.
Variant type: Duplication.
Coding change: c.588_589dup on transcript NM_000322.5 (MANE Select); coding-DNA positions 588 to 589, 2 bases duplicated (CA; older notation c.588_589dupCA).
Protein change: p.Lys197fs; shifts the reading frame from lysine 197.
Molecular consequence: frameshift variant.
Genome position (GRCh38, 1-based): chr6:42,704,604-42,704,605, TG duplicated on the plus strand (CA on the coding strand, the reverse complement: PRPH2 is on the minus strand). VCF-style (leftmost placement, unchanged base first): chr6-42704603-T-TTG. GRCh37 (hg19) VCF-style: chr6-42672341-T-TTG.
Other names: c.588_589dup (NM_000322.4); short protein forms K197fs.
Identifiers: ClinVar variation 973705 (VCV000973705.2), dbSNP rs1800118385, ClinGen allele CA1139659522.

ClinVar aggregate classification (germline): Likely pathogenic. Review status: criteria provided, single submitter (1 of 4 stars). 2 submissions from 2 submitters: Likely pathogenic (1). 1 of the submissions does not count toward it. Last evaluated 2020-01-07.

Conditions:
Stargardt disease (FFM). Also called: Stargardt's disease; Fundus flavimaculatus. Identifiers: Orphanet 827, MedGen C0271093, MONDO:0019353.

Submissions (2):

NEI Ophthalmic Genomics Laboratory, National Institutes of Health
Classification: Likely pathogenic for Stargardt disease. Last evaluated: 2020-01-07. Review status: criteria provided, single submitter. Criteria: ACMG Guidelines, 2015. Collection method: clinical testing. Allele origin: germline. Affected: yes.
Comment: The variant NM_000322.4:c.588_589dupCA in the PRPH2 gene has not been reported to our knowledge . This variant is not listed in dbSNP and/or HGMD. It is absent in gnomAD browser. It is not enriched in the PRPH2 disease cohort. We invoked ACMG criteria [PVS1, PM2] and classified NM_000322.4:c.588_589dupCA in the PRPH2 gene as a Likely Pathogenic mutation.

Leiden Open Variation Database
Classification: Pathogenic. Last evaluated: 2021-04-06. Review status: no assertion criteria provided. Collection method: curation. Allele origin: germline. Affected: yes. Not counted in ClinVar's aggregate classification.
Comment: Curator: Global Variome, with Curator vacancy. Submitter to LOVD: Manon Peeters.

Literature cited by the submitters: PubMed 32531846 (cited by Leiden Open Variation Database).